The following is an entry in ClinVar:

NM_000245.4(MET):c.531G>T (p.Val177=)

Gene: MET (MET proto-oncogene, receptor tyrosine kinase; plus strand). Cytogenetic location: 7q31.2.
Variant type: single nucleotide variant.
Coding change: c.531G>T on transcript NM_000245.4 (MANE Select); coding-DNA position 531, G replaced by T.
Protein change: p.Val177=; no amino-acid change (valine 177 retained).
Molecular consequence: synonymous variant. On other transcripts: intron variant (1).
Genome position (GRCh38, 1-based): chr7:116,699,615, G>T. VCF-style: chr7-116699615-G-T. GRCh37 (hg19) VCF-style: chr7-116339669-G-T.
Other names: c.531G>T, p.Val177= (NM_001127500.3, NM_001324401.3); c.-91+27038G>T (NM_001324402.2).
Identifiers: ClinVar variation 763675 (VCV000763675.14), dbSNP rs755804127, ClinGen allele CA457447747.

ClinVar aggregate classification (germline): Benign/Likely benign. Review status: criteria provided, multiple submitters, no conflicts (2 of 4 stars). 3 submissions from 3 submitters: Benign (1); Likely benign (2). Last evaluated 2024-11-06.

Conditions:
Hereditary cancer-predisposing syndrome. Also called: Tumor predisposition; Neoplastic Syndromes, Hereditary; Hereditary Cancer Syndrome; Hereditary neoplastic syndrome. Identifiers: Orphanet 140162, MedGen C0027672, MeSH D009386, MONDO:0015356.
Renal cell carcinoma. Identifiers: Orphanet 217071, MedGen C0007134, MeSH D002292, MONDO:0005086, HP:0005584.
Papillary renal cell carcinoma type 1 (RCCP1). Also called: RENAL CELL CARCINOMA, PAPILLARY, 1, SOMATIC; Renal adenocarcinoma; Renal cell carcinoma 1; Renal cell carcinoma, somatic. Identifiers: Orphanet 47044, MedGen C1336839, OMIM 605074, HP:0011797.

gnomAD v4.1: 1 of 1,613,988 alleles (0.000062%); highest among the groups gnomAD compares: Non-Finnish European, 0.000085%; no homozygotes.

Submissions (3):

Myriad Genetics, Inc.
Classification: Benign for Papillary renal cell carcinoma type 1. Last evaluated: 2024-11-06. Review status: criteria provided, single submitter. Criteria: Myriad Autosomal Dominant, Autosomal Recessive and X-Linked Classification Criteria (2023). Collection method: clinical testing. Allele origin: unknown.
Comment: This variant is considered benign. This variant is a silent/synonymous amino acid change and it is not expected to impact splicing.

Labcorp Genetics (formerly Invitae), Labcorp
Classification: Likely benign for Renal cell carcinoma. Last evaluated: 2023-05-19. Review status: criteria provided, single submitter. Criteria: Invitae Variant Classification Sherloc (09022015). Collection method: clinical testing. Allele origin: germline.

Ambry Genetics
Classification: Likely benign for Hereditary cancer-predisposing syndrome. Last evaluated: 2019-07-22. Review status: criteria provided, single submitter. Criteria: Ambry Variant Classification Scheme 2023. Collection method: clinical testing. Allele origin: germline.